The following is an entry in ClinVar:

NM_004304.5(ALK):c.2688G>C (p.Leu896Phe)

Gene: ALK (ALK receptor tyrosine kinase; minus strand). Cytogenetic location: 2p23.2.
Variant type: single nucleotide variant.
Coding change: c.2688G>C on transcript NM_004304.5 (MANE Select); coding-DNA position 2688, G replaced by C.
Protein change: p.Leu896Phe; replaces leucine 896 with phenylalanine.
Molecular consequence: missense variant.
Genome position (GRCh38, 1-based): chr2:29,229,011, C>G on the plus strand (G>C on the coding strand, the complement: ALK is on the minus strand). VCF-style: chr2-29229011-C-G. GRCh37 (hg19) VCF-style: chr2-29451877-C-G.
Other names: short protein forms L896F.
Identifiers: ClinVar variation 2093026 (VCV002093026.4), dbSNP rs2465978298, ClinGen allele CA346469940.

ClinVar aggregate classification (germline): Uncertain significance (1 of 4 stars; one submission).

Conditions:
Neuroblastoma, susceptibility to, 3. Also called: ALK-Related Neuroblastic Tumor Susceptibility. Identifiers: Orphanet 635, MedGen C2751681, MONDO:0013083, OMIM 613014.

Submission:

Labcorp Genetics (formerly Invitae), Labcorp
Classification: Uncertain significance for Neuroblastoma, susceptibility to, 3. Last evaluated: 2022-09-01. Review status: criteria provided, single submitter. Criteria: Invitae Variant Classification Sherloc (09022015). Collection method: clinical testing. Allele origin: germline.
Comment: In summary, the available evidence is currently insufficient to determine the role of this variant in disease. Therefore, it has been classified as a Variant of Uncertain Significance. Algorithms developed to predict the effect of missense changes on protein structure and function are either unavailable or do not agree on the potential impact of this missense change (SIFT: "Deleterious"; PolyPhen-2: "Probably Damaging"; Align-GVGD: "Class C15"). This variant has not been reported in the literature in individuals affected with ALK-related conditions. This variant is not present in population databases (gnomAD no frequency). This sequence change replaces leucine, which is neutral and non-polar, with phenylalanine, which is neutral and non-polar, at codon 896 of the ALK protein (p.Leu896Phe).